The following is an entry in ClinVar:

NM_004655.4(AXIN2):c.1691C>G (p.Thr564Ser)

Gene: AXIN2 (axin 2; minus strand). Cytogenetic location: 17q24.1.
Variant type: single nucleotide variant.
Coding change: c.1691C>G on transcript NM_004655.4 (MANE Select); coding-DNA position 1691, C replaced by G.
Protein change: p.Thr564Ser; replaces threonine 564 with serine.
Molecular consequence: missense variant.
Genome position (GRCh38, 1-based): chr17:65,537,345, G>C on the plus strand (C>G on the coding strand, the complement: AXIN2 is on the minus strand). VCF-style: chr17-65537345-G-C. GRCh37 (hg19) VCF-style: chr17-63533463-G-C.
Other names: c.1691C>G, p.Thr564Ser (NM_001363813.1); short protein forms T564S.
Identifiers: ClinVar variation 2073097 (VCV002073097.5), dbSNP rs2509411122, ClinGen allele CA400676827.
Genomic context (GRCh38, chr17:65,537,345, plus strand): 5'-AAGCCCCACACGGGACACTGCGGTCCGCCCGGCACTTACCCAAACTGCTCGCTGGGCATG[G>C]TTTCCGGAGCCTTGGAGTGGCTTTTGCATTTCGAGTAGCAGTAATACTCGCTGCCCCCAG-3'
Protein context (NP_004646.3, residues 554-574): KCKSHSKAPE[Thr564Ser]MPSEQFGGSR

ClinVar aggregate classification (germline): Uncertain significance. Review status: criteria provided, multiple submitters, no conflicts (2 of 4 stars). 2 submissions from 2 submitters: Uncertain significance (2). Last evaluated 2025-10-23.

Conditions:
Hereditary cancer-predisposing syndrome. Also called: Neoplastic Syndromes, Hereditary; Hereditary Cancer Syndrome; Tumor predisposition; Hereditary neoplastic syndrome. Identifiers: Orphanet 140162, MedGen C0027672, MeSH D009386, MONDO:0015356.
Oligodontia-cancer predisposition syndrome. Also called: TOOTH AGENESIS-COLORECTAL CANCER SYNDROME. Identifiers: Orphanet 300576, MedGen C1837750, MONDO:0012075, OMIM 608615. Disease mechanism: loss of function.

Submissions (2):

Labcorp Genetics (formerly Invitae), Labcorp
Classification: Uncertain significance for Oligodontia-cancer predisposition syndrome. Last evaluated: 2025-10-23. Review status: criteria provided, single submitter. Criteria: Invitae Variant Classification Sherloc (09022015). Collection method: clinical testing. Allele origin: germline.
Comment: This sequence change replaces threonine, which is neutral and polar, with serine, which is neutral and polar, at codon 564 of the AXIN2 protein (p.Thr564Ser). This variant is not present in population databases (gnomAD no frequency). This variant has not been reported in the literature in individuals affected with AXIN2-related conditions. ClinVar contains an entry for this variant (Variation ID: 2073097). Invitae Evidence Modeling of protein sequence and biophysical properties (such as structural, functional, and spatial information, amino acid conservation, physicochemical variation, residue mobility, and thermodynamic stability) indicates that this missense variant is not expected to disrupt AXIN2 protein function with a negative predictive value of 80%. In summary, the available evidence is currently insufficient to determine the role of this variant in disease. Therefore, it has been classified as a Variant of Uncertain Significance.

Ambry Genetics
Classification: Uncertain significance for Hereditary cancer-predisposing syndrome. Last evaluated: 2025-02-04. Review status: criteria provided, single submitter. Criteria: Ambry Variant Classification Scheme 2023. Collection method: clinical testing. Allele origin: germline.
Comment: The p.T564S variant (also known as c.1691C>G), located in coding exon 5 of the AXIN2 gene, results from a C to G substitution at nucleotide position 1691. The threonine at codon 564 is replaced by serine, an amino acid with similar properties. This amino acid position is conserved. In addition, this alteration is predicted to be tolerated by in silico analysis. Based on the available evidence, the clinical significance of this variant remains unclear.